The following is an entry in ClinVar:

NC_000016.9:g.(?_15802660)_(15932126_?)dup

Genes: MYH11 (myosin heavy chain 11; minus strand), NDE1 (nudE neurodevelopment protein 1; plus strand), LOC113939949 (Sharpr-MPRA regulatory region 5546; plus strand). Cytogenetic location: 16p13.11.
Variant type: Duplication.
Identifiers: ClinVar variation 417355 (VCV000417355.1).

ClinVar aggregate classification (germline): Uncertain significance (1 of 4 stars; one submission).

Conditions:
Aortic aneurysm, familial thoracic 4 (AAT4). Also called: AORTIC ANEURYSM/AORTIC DISSECTION AND PATENT DUCTUS ARTERIOSUS. Identifiers: MedGen C1851504, MONDO:0007568, OMIM 132900.

Submission:

Labcorp Genetics (formerly Invitae), Labcorp
Classification: Uncertain significance for Aortic aneurysm, familial thoracic 4. Last evaluated: 2016-08-02. Review status: criteria provided, single submitter. Criteria: Invitae Variant Classification Sherloc (09022015). Collection method: clinical testing. Allele origin: germline.
Comment: A gross duplication of the genomic region encompassing the full coding sequence of the MYH11 gene has been identified. The boundaries of this event are unknown as the duplication extends beyond the assayed region for this gene and therefore may encompass additional genes. As the precise location of this duplication is unknown, it may be in tandem or it may be located elsewhere in the genome. This gross duplication is not present in population databases. A recurrent duplication encompassing the 16p13.1 chromosomal region, which includes the MYH11 gene, has been reported in patients with aortic dissections (PMID: 21698135). In summary, this is a whole gene duplication with uncertain impact on protein function. It has been classified as a Variant of Uncertain Significance